The following is an entry in ClinVar:

ClinVar aggregate classification (germline): Uncertain significance. Review status: criteria provided, multiple submitters, no conflicts (2 of 4 stars). 6 submissions from 6 submitters: Uncertain significance (4). 2 of the submissions do not count toward it. Last evaluated 2025-03-28.

Conditions:
CDH23-related disorder. Also called: CDH23-related condition; CDH23-related disorders.
Usher syndrome type 1 (USH1). Also called: RETINITIS PIGMENTOSA AND CONGENITAL DEAFNESS. Identifiers: Orphanet 231169, Orphanet 886, MedGen C1568247, MONDO:0010168, OMIM 276900.
Autosomal recessive nonsyndromic hearing loss 12. Also called: DEAFNESS, AUTOSOMAL RECESSIVE 12. Identifiers: Orphanet 90636, MedGen C1832394, MONDO:0011067, OMIM 601386.

Allele frequency attached by ClinVar (database versions not stated): TOPMed below 0.00001; gnomAD exomes 0.00001.
gnomAD v4.1: 11 of 1,612,996 alleles (0.00068%); highest among the groups gnomAD compares: South Asian, 0.012%; no homozygotes.

Submissions (6):

Revvity Omics, Revvity
Classification: Uncertain significance. Last evaluated: 2025-03-28. Review status: criteria provided, single submitter. Criteria: ACMG Guidelines, 2015. Collection method: clinical testing. Allele origin: germline.

Neuberg Centre For Genomic Medicine, NCGM
Classification: Uncertain significance for Autosomal recessive nonsyndromic hearing loss 12. Last evaluated: 2023-06-22. Review status: criteria provided, single submitter. Criteria: ACMG Guidelines, 2015. Collection method: clinical testing. Allele origin: germline. Inheritance: Autosomal recessive inheritance. Affected: yes.
Comment: The observed missense c.3337G>C(p.Glu1113Gln) variant in CDH23 gene has been reported previously in homozygous or compound heterozygous state in individual(s) affected with Usher syndrome (Le et al., 2012). This variant is reported with the allele frequency of 0.001% in the gnomAD Exomes. This variant has been reported to the ClinVar database as Uncertain Significance. However, no details are available for independent assessment. The amino acid Glu at position 1113 is changed to a Gln changing protein sequence and it might alter its composition and physico-chemical properties. The amino acid change p.Glu1113Gln in CDH23 is predicted as conserved by GERP++ and PhyloP across 100 vertebrates. Multiple lines of computational evidence (Polyphen - Possibly Damaging, SIFT - Damaging, and MutationTaster - Disease causing) predict a damaging effect on protein structure and function for this variant. For these reasons, this variant has been classified as Uncertain Significance.

Laboratory for Molecular Medicine, Mass General Brigham Personalized Medicine
Classification: Uncertain significance. Last evaluated: 2013-02-07. Review status: criteria provided, single submitter. Criteria: LMM Criteria. Collection method: clinical testing. Allele origin: germline. Observed: 1 variant allele.
Comment: The Glu1113Gln variant in CDH23 has been reported in one family with Usher syndr ome type III who also carried a second CDH23 variant and two compound heterozygo us variants in another gene (Le Quesne Stabej 2012). It is unclear if any of the variants identified in this family, including Glu1113Gln, are responsible for t heir clinical features. Computational analyses (biochemical amino acid propertie s, conservation, AlignGVGD, PolyPhen2, and SIFT) do not provide strong support f or or against an impact to the protein. Additional data is needed to determine t he clinical significance of this variant.

Genetics Research Center, University of Social Welfare and Rehabilitation Sciences
Classification: Uncertain significance for Autosomal recessive nonsyndromic hearing loss 12. Review status: criteria provided, single submitter. Criteria: ACMG Guidelines, 2015. Collection method: research. Allele origin: germline. Affected: yes.
Comment: The variant is present at a very low allele frequency in the gnomAD v2.1.1 dataset (allele frequency: 0.0012%) and has been previously reported in homozygous and compound heterozygosous states in patients affected with CDH23- related hearing loss (PMID:26445815, 22135276). Moreover, the variant is predicted to be damaging by multiple in-silico prediction tools.

PreventionGenetics, part of Exact Sciences
Classification: Uncertain significance for CDH23-related condition. Last evaluated: 2024-07-03. Review status: no assertion criteria provided. Collection method: clinical testing. Allele origin: germline. Not counted in ClinVar's aggregate classification.
Comment: The CDH23 c.3337G>C variant is predicted to result in the amino acid substitution p.Glu1113Gln. This variant was reported in the homozygous state in an individual with autosomal recessive hearing loss (Table S4, Sloan-Heggen et al. 2015. PubMed ID: 26445815) and in a patient with Usher syndrome along with a second CDH23 variant as well as two potentially causative compound heterozygous variants in another gene (Le Quesne Stabej et al. 2011. PubMed ID: 22135276). This variant is reported in 0.0099% of alleles in individuals of South Asian descent in gnomAD. At this time, the clinical significance of this variant is uncertain due to the absence of conclusive functional and genetic evidence.

Natera, Inc.
Classification: Uncertain significance for Usher syndrome type 1. Last evaluated: 2020-09-16. Review status: no assertion criteria provided. Collection method: clinical testing. Allele origin: germline. Not counted in ClinVar's aggregate classification.

Literature cited by the submitters: PubMed 22135276 (cited by Laboratory for Molecular Medicine, Mass General Brigham Personalized Medicine and Genetics Research Center, University of Social Welfare and Rehabilitation Sciences); PubMed 26445815 (cited by Genetics Research Center, University of Social Welfare and Rehabilitation Sciences).

NM_022124.6(CDH23):c.3337G>C (p.Glu1113Gln)

Genes: C10orf105 (chromosome 10 open reading frame 105; minus strand), CDH23 (cadherin related 23; plus strand). Cytogenetic location: 10q22.1.
Variant type: single nucleotide variant.
Coding change: c.3337G>C on transcript NM_022124.6 (MANE Select); coding-DNA position 3337, G replaced by C.
Protein change: p.Glu1113Gln; replaces glutamic acid 1113 with glutamine.
Molecular consequence: missense variant. On other transcripts: 3 prime UTR variant (2).
Genome position (GRCh38, 1-based): chr10:71,712,781, G>C. VCF-style: chr10-71712781-G-C. GRCh37 (hg19) VCF-style: chr10-73472538-G-C.
Other names: c.*3155C>G (NM_001164375.3, NM_001168390.2); c.3337G>C, p.Glu1113Gln (NM_001171930.2); short protein forms E1113Q.
Identifiers: ClinVar variation 45915 (VCV000045915.9), dbSNP rs397517322, ClinGen allele CA137368.
Genomic context (GRCh38, chr10:71,712,781, plus strand): 5'-CTGGATGTGAATGACAACCGGCCCATCTTTCTGCAGAGCAGCTATGAGGCCAGCGTCCCT[G>C]AGGACATCCCTGAAGGCCACAGCATCTTGCAGGCAGGTGGCCCGTGGCCTCTGGGGCAGG-3'
Protein context (NP_071407.4, residues 1103-1123): LQSSYEASVP[Glu1113Gln]DIPEGHSILQ